The following is an entry in ClinVar:

NM_005562.3(LAMC2):c.2015-1G>T

Gene: LAMC2 (laminin subunit gamma 2; plus strand). Cytogenetic location: 1q25.3.
Variant type: single nucleotide variant.
Coding change: c.2015-1G>T on transcript NM_005562.3 (MANE Select); the canonical splice acceptor site of the intron before coding-DNA position 2015, G replaced by T.
Molecular consequence: splice acceptor variant.
Genome position (GRCh38, 1-based): chr1:183,232,651, G>T. VCF-style: chr1-183232651-G-T. GRCh37 (hg19) VCF-style: chr1-183201786-G-T.
Other names: c.2015-1G>T (NM_018891.3).
Identifiers: ClinVar variation 1066720 (VCV001066720.8), dbSNP rs2102239920, ClinGen allele CA343692766.

ClinVar aggregate classification (germline): Likely pathogenic (1 of 4 stars; one submission).

Submission:

Labcorp Genetics (formerly Invitae), Labcorp
Classification: Likely pathogenic. Last evaluated: 2020-02-19. Review status: criteria provided, single submitter. Criteria: Invitae Variant Classification Sherloc (09022015). Collection method: clinical testing. Allele origin: germline.
Comment: This sequence change affects an acceptor splice site in intron 13 of the LAMC2 gene. It is expected to disrupt RNA splicing and likely results in an absent or disrupted protein product. This variant is not present in population databases (ExAC no frequency). This variant has not been reported in the literature in individuals with LAMC2-related conditions. Algorithms developed to predict the effect of sequence changes on RNA splicing suggest that this variant may disrupt the consensus splice site, but this prediction has not been confirmed by published transcriptional studies. Donor and acceptor splice site variants typically lead to a loss of protein function (PMID: 16199547), and loss-of-function variants in LAMC2 are known to be pathogenic (PMID: 11907499, 16473856). In summary, the currently available evidence indicates that the variant is pathogenic, but additional data are needed to prove that conclusively. Therefore, this variant has been classified as Likely Pathogenic.

Literature cited by the submitters: PubMed 16199547; PubMed 11907499; PubMed 16473856.